The following is an entry in ClinVar:

NM_000455.5(STK11):c.921-2A>C

Gene: STK11 (serine/threonine kinase 11; plus strand). Cytogenetic location: 19p13.3.
Variant type: single nucleotide variant.
Coding change: c.921-2A>C on transcript NM_000455.5 (MANE Select); the canonical splice acceptor site of the intron before coding-DNA position 921, A replaced by C.
Molecular consequence: splice acceptor variant.
Genome position (GRCh38, 1-based): chr19:1,222,983, A>C. VCF-style: chr19-1222983-A-C. GRCh37 (hg19) VCF-style: chr19-1222982-A-C.
Other names: LKB1; c.921-2A>C (NM_001407255.1).
Identifiers: ClinVar variation 440861 (VCV000440861.3), dbSNP rs727504172, ClinGen allele CA402951414.

ClinVar aggregate classification (germline): Pathogenic (0 of 4 stars; one submission).

Conditions:
Peutz-Jeghers syndrome (PJS). Also called: Peutz-Jeghers polyposis; Periorificial lentiginosis syndrome; POLYPOSIS, HAMARTOMATOUS INTESTINAL; POLYPS-AND-SPOTS SYNDROME. Identifiers: Orphanet 2869, MedGen C0031269, MeSH D010580, MONDO:0008280, OMIM 175200.

Submission:

Institutes of Biomedical Sciences, Shanxi University
Classification: Pathogenic for Peutz-Jeghers syndrome. Last evaluated: 2017-10-05. Review status: no assertion criteria provided. Collection method: case-control. Allele origin: inherited. Inheritance: Autosomal dominant inheritance. Affected: yes. Observed: 3 variant alleles, 3 heterozygotes.
Comment: Pathogenic variation causing STK11 aberrant splicing and generation of truncated protein